The following is an entry in ClinVar:

ClinVar aggregate classification (germline): Likely benign. Review status: criteria provided, multiple submitters, no conflicts (2 of 4 stars). 4 submissions from 4 submitters: Likely benign (4). Last evaluated 2025-03-23.

Conditions:
Cardiomyopathy (CMYO). Also called: Cardiomyopathies. Identifiers: Orphanet 167848, MedGen C0878544, MONDO:0004994, HP:0001638. Inheritance: Various modes of inheritance.
Cardiovascular phenotype. Identifiers: MedGen CN230736.
Catecholaminergic polymorphic ventricular tachycardia 1. Also called: VENTRICULAR TACHYCARDIA, CATECHOLAMINERGIC POLYMORPHIC, 1, WITH OR WITHOUT ATRIAL DYSFUNCTION AND/OR DILATED CARDIOMYOPATHY; RYR2-Related Catecholaminergic Polymorphic Ventricular Tachycardia; VENTRICULAR TACHYCARDIA, STRESS-INDUCED POLYMORPHIC 1. Identifiers: Orphanet 3286, MedGen C1631597, MONDO:0011484, OMIM 604772.
Catecholaminergic polymorphic ventricular tachycardia (CVPT). Also called: Catecholamine-induced polymorphic ventricular tachycardia. Identifiers: Orphanet 3286, MedGen C5574922, MONDO:0017990.

Allele frequency attached by ClinVar (database versions not stated): gnomAD exomes below 0.00001; TOPMed below 0.00001; gnomAD 0.00001.
gnomAD v4.1: 2 of 1,611,778 alleles (0.00012%); highest among the groups gnomAD compares: Non-Finnish European, 0.00017%; no homozygotes.

Submissions (4):

Labcorp Genetics (formerly Invitae), Labcorp
Classification: Likely benign for Catecholaminergic polymorphic ventricular tachycardia 1. Last evaluated: 2025-03-23. Review status: criteria provided, single submitter. Criteria: Invitae Variant Classification Sherloc (09022015). Collection method: clinical testing. Allele origin: germline.

All of Us Research Program, National Institutes of Health
Classification: Likely benign for Catecholaminergic polymorphic ventricular tachycardia. Last evaluated: 2023-08-15. Review status: criteria provided, single submitter. Criteria: ACMG Guidelines, 2015. Collection method: clinical testing. Allele origin: germline. Inheritance: Autosomal dominant inheritance. Observed: 1 variant allele, 1 heterozygote.
Comment: This study involves interpretation of variants in research participants for the purpose of population health screening. Participant phenotype was not available at the time of variant classification. Additional details can be found in publication PMID: 35346344, PMCID: PMC8962531

Color Diagnostics, LLC DBA Color Health
Classification: Likely benign for Cardiomyopathy. Last evaluated: 2022-03-30. Review status: criteria provided, single submitter. Criteria: ACMG Guidelines, 2015. Collection method: clinical testing. Allele origin: germline.

Ambry Genetics
Classification: Likely benign for Cardiovascular phenotype. Last evaluated: 2020-10-28. Review status: criteria provided, single submitter. Criteria: Ambry Variant Classification Scheme 2023. Collection method: clinical testing. Allele origin: germline.

NM_001035.3(RYR2):c.13623T>C (p.Asn4541=)

Gene: RYR2 (ryanodine receptor 2; plus strand). Cytogenetic location: 1q43.
Variant type: single nucleotide variant.
Coding change: c.13623T>C on transcript NM_001035.3 (MANE Select); coding-DNA position 13623, T replaced by C.
Protein change: p.Asn4541=; no amino-acid change (asparagine 4541 retained).
Molecular consequence: synonymous variant.
Genome position (GRCh38, 1-based): chr1:237,792,164, T>C. VCF-style: chr1-237792164-T-C. GRCh37 (hg19) VCF-style: chr1-237955464-T-C.
Identifiers: ClinVar variation 1114982 (VCV001114982.53), dbSNP rs1389335931, ClinGen allele CA423827285.
Genomic context (GRCh38, chr1:237,792,164, plus strand): 5'-GGTCTCCACTTCTTCTGTGGTTGAAGGAAAGGAGCTCCCCACGAGAAGTTCAAGTGAAAA[T>C]GCCAAAGTGACAAGCCTGGACAGCAGCTCCCATAGAATCATCGCAGTTCACTATGTACTA-3'
Protein context (NP_001026.2, residues 4531-4551): KELPTRSSSE[Asn4541=]AKVTSLDSSS